The following is an entry in ClinVar:

ClinVar aggregate classification (germline): Uncertain significance (1 of 4 stars; one submission).

Conditions:
Cardiovascular phenotype. Identifiers: MedGen CN230736.

Submission:

Ambry Genetics
Classification: Uncertain significance for Cardiovascular phenotype. Last evaluated: 2023-10-29. Review status: criteria provided, single submitter. Criteria: Ambry Variant Classification Scheme 2023. Collection method: clinical testing. Allele origin: germline.
Comment: The p.T242K variant (also known as c.725C>A), located in coding exon 2 of the SHOC2 gene, results from a C to A substitution at nucleotide position 725. The threonine at codon 242 is replaced by lysine, an amino acid with similar properties. This amino acid position is conserved. In addition, the in silico prediction for this alteration is inconclusive. Since supporting evidence is limited at this time, the clinical significance of this alteration remains unclear.

NM_007373.4(SHOC2):c.725C>A (p.Thr242Lys)

Gene: SHOC2 (SHOC2 leucine rich repeat scaffold protein; plus strand). Cytogenetic location: 10q25.2.
Variant type: single nucleotide variant.
Coding change: c.725C>A on transcript NM_007373.4 (MANE Select); coding-DNA position 725, C replaced by A.
Protein change: p.Thr242Lys; replaces threonine 242 with lysine.
Molecular consequence: missense variant. On other transcripts: non-coding transcript variant (1), intron variant (1).
Genome position (GRCh38, 1-based): chr10:110,985,649, C>A. VCF-style: chr10-110985649-C-A. GRCh37 (hg19) VCF-style: chr10-112745407-C-A.
Other names: c.725C>A, p.Thr242Lys (NM_001324336.2, NM_001324337.2); c.704-14766C>A (NM_001269039.3); short protein forms T242K.
Identifiers: ClinVar variation 3226186 (VCV003226186.1), dbSNP rs2493891046, ClinGen allele CA378391343.